The following is an entry in ClinVar:

NM_030632.3(ASXL3):c.4641A>G (p.Gln1547=)

Gene: ASXL3 (ASXL transcriptional regulator 3; plus strand). Cytogenetic location: 18q12.1.
Variant type: single nucleotide variant.
Coding change: c.4641A>G on transcript NM_030632.3 (MANE Select); coding-DNA position 4641, A replaced by G.
Protein change: p.Gln1547=; no amino-acid change (glutamine 1547 retained).
Molecular consequence: synonymous variant.
Genome position (GRCh38, 1-based): chr18:33,744,489, A>G. VCF-style: chr18-33744489-A-G. GRCh37 (hg19) VCF-style: chr18-31324453-A-G.
Identifiers: ClinVar variation 2648657 (VCV002648657.24), dbSNP rs2067732329, ClinGen allele CA503770492.

ClinVar aggregate classification (germline): Likely benign (1 of 4 stars; one submission).

Submission:

CeGaT Center for Human Genetics Tuebingen
Classification: Likely benign. Last evaluated: 2023-01-01. Review status: criteria provided, single submitter. Criteria: CeGaT Center For Human Genetics Tuebingen Variant Classification Criteria Version 2. Collection method: clinical testing. Allele origin: germline. Affected: yes. Observed: 1 variant allele.
Comment: ASXL3: PM2:Supporting, BP4, BP7